The following is an entry in ClinVar:

ClinVar aggregate classification (germline): Uncertain significance (1 of 4 stars; one submission).

Conditions:
Spastic paraplegia. Identifiers: MedGen C0037772, HP:0001258.

Allele frequency attached by ClinVar (database versions not stated): gnomAD 0.00001; gnomAD exomes 0.00001; TOPMed below 0.00001.
gnomAD v4.1: 13 of 1,613,560 alleles (0.00081%); highest among the groups gnomAD compares: African/African-American, 0.013%; no homozygotes.

Submission:

Labcorp Genetics (formerly Invitae), Labcorp
Classification: Uncertain significance for Spastic paraplegia. Last evaluated: 2022-07-15. Review status: criteria provided, single submitter. Criteria: Invitae Variant Classification Sherloc (09022015). Collection method: clinical testing. Allele origin: germline.
Comment: In summary, the available evidence is currently insufficient to determine the role of this variant in disease. Therefore, it has been classified as a Variant of Uncertain Significance. Algorithms developed to predict the effect of missense changes on protein structure and function (SIFT, PolyPhen-2, Align-GVGD) all suggest that this variant is likely to be tolerated. This variant has not been reported in the literature in individuals affected with GBA2-related conditions. This variant is not present in population databases (gnomAD no frequency). This sequence change replaces leucine, which is neutral and non-polar, with proline, which is neutral and non-polar, at codon 108 of the GBA2 protein (p.Leu108Pro).

NM_020944.3(GBA2):c.323T>C (p.Leu108Pro)

Gene: GBA2 (glucosylceramidase beta 2; minus strand). Cytogenetic location: 9p13.3.
Variant type: single nucleotide variant.
Coding change: c.323T>C on transcript NM_020944.3 (MANE Select); coding-DNA position 323, T replaced by C.
Protein change: p.Leu108Pro; replaces leucine 108 with proline.
Molecular consequence: missense variant.
Genome position (GRCh38, 1-based): chr9:35,748,382, A>G on the plus strand (T>C on the coding strand, the complement: GBA2 is on the minus strand). VCF-style: chr9-35748382-A-G. GRCh37 (hg19) VCF-style: chr9-35748379-A-G.
Other names: c.323T>C, p.Leu108Pro (NM_001330660.2); short protein forms L108P.
Identifiers: ClinVar variation 2056744 (VCV002056744.4), dbSNP rs369629772, ClinGen allele CA192767887.